The following is an entry in ClinVar:

ClinVar aggregate classification (germline): Conflicting classifications of pathogenicity. Review status: criteria provided, conflicting classifications (1 of 4 stars). 12 submissions from 12 submitters: Uncertain significance (3); Benign (2); Likely benign (6). 1 of the submissions does not count toward it. Last evaluated 2026-01-26.

Conditions:
BARD1-related disorder. Also called: BARD1-related condition.
BARD1-related cancer predisposition. Identifiers: MedGen CN377756, MONDO:0700267.
Hereditary cancer-predisposing syndrome. Also called: Tumor predisposition; Hereditary Cancer Syndrome; Hereditary neoplastic syndrome; Neoplastic Syndromes, Hereditary. Identifiers: Orphanet 140162, MedGen C0027672, MeSH D009386, MONDO:0015356.
Familial cancer of breast. Also called: BREAST CANCER, FAMILIAL; Hereditary breast cancer; hereditary breast carcinoma. Identifiers: Orphanet 227535, MedGen C0346153, MONDO:0016419, OMIM 114480. Disease mechanism: loss of function.

Allele frequency attached by ClinVar (database versions not stated): ExAC 0.00003; gnomAD exomes 0.00006 and 0.00012; gnomAD 0.00013 and 0.00014; ESP Exome Variant Server 0.00015.
gnomAD v4.1: 194 of 1,613,130 alleles (0.012%); highest among the groups gnomAD compares: Non-Finnish European, 0.016%; no homozygotes.

Submissions (12):

Labcorp Genetics (formerly Invitae), Labcorp
Classification: Likely benign for Familial cancer of breast. Last evaluated: 2026-01-26. Review status: criteria provided, single submitter. Criteria: Invitae Variant Classification Sherloc (09022015). Collection method: clinical testing. Allele origin: germline.

Center for Genomic Medicine, Rigshospitalet, Copenhagen University Hospital
Classification: Likely benign. Last evaluated: 2025-03-04. Review status: criteria provided, single submitter. Criteria: ACMG Guidelines, 2015. Collection method: clinical testing. Allele origin: germline.

Myriad Genetics, Inc.
Classification: Benign for Familial cancer of breast. Last evaluated: 2024-07-19. Review status: criteria provided, single submitter. Criteria: Myriad Autosomal Dominant, Autosomal Recessive and X-Linked Classification Criteria (2023). Collection method: clinical testing. Allele origin: unknown.
Comment: This variant is considered benign. This variant is a silent/synonymous amino acid change and it is not expected to impact splicing.

Institute for Biomarker Research, Medical Diagnostic Laboratories, L.L.C.
Classification: Likely benign for Hereditary cancer-predisposing syndrome. Last evaluated: 2024-06-11. Review status: criteria provided, single submitter. Criteria: ACMG Guidelines, 2015. Collection method: clinical testing. Allele origin: germline.

Department of Pathology and Laboratory Medicine, Sinai Health System
Classification: Uncertain significance for BARD1-related cancer predisposition. Last evaluated: 2023-01-03. Review status: criteria provided, single submitter. Criteria: ACMG Guidelines, 2015. Collection method: clinical testing. Allele origin: germline. Affected: no.

Women's Health and Genetics/Laboratory Corporation of America, LabCorp
Classification: Likely benign. Last evaluated: 2022-02-09. Review status: criteria provided, single submitter. Criteria: LabCorp Variant Classification Summary - May 2015. Collection method: clinical testing. Allele origin: germline.

Sema4
Classification: Uncertain significance for Hereditary cancer-predisposing syndrome. Last evaluated: 2021-07-21. Review status: criteria provided, single submitter. Criteria: Sema4 Curation Guidelines. Collection method: curation. Allele origin: germline.
Comment: The BARD1 c.279A>G (p.Q93=) variant has not been reported in the literature to our knowledge. It was observed in 13/113654 chromosomes of the Non-Finnish European subpopulation, with no homozygotes, in the large and broad cohorts of the Genome Aggregation Database (PMID: 32461654). The variant has been reported in ClinVar (Variation ID 183769). Splice site prediction tools suggest the variant may create a cryptic splice site, however these predictions have not been confirmed by published transcriptional studies. The evidence is insufficient to meet ACMG/AMP criteria for classifying the variant as benign or pathogenic. Thus, the clinical significance of this variant is currently uncertain.

Illumina Laboratory Services, Illumina
Classification: Uncertain significance for Familial cancer of breast. Last evaluated: 2018-01-13. Review status: criteria provided, single submitter. Criteria: ICSL Variant Classification Criteria 13 December 2019. Collection method: clinical testing. Allele origin: germline.

Color Diagnostics, LLC DBA Color Health
Classification: Likely benign for Hereditary cancer-predisposing syndrome. Last evaluated: 2016-03-03. Review status: criteria provided, single submitter. Criteria: ACMG Guidelines, 2015. Collection method: clinical testing. Allele origin: germline.

GeneDx
Classification: Benign. Last evaluated: 2015-05-22. Review status: criteria provided, single submitter. Criteria: GeneDx Variant Classification (06012015). Collection method: clinical testing. Allele origin: germline. Affected: yes.
Comment: This variant is considered likely benign or benign based on one or more of the following criteria: it is a conservative change, it occurs at a poorly conserved position in the protein, it is predicted to be benign by multiple in silico algorithms, and/or has population frequency not consistent with disease.

Ambry Genetics
Classification: Likely benign for Hereditary cancer-predisposing syndrome. Last evaluated: 2014-08-04. Review status: criteria provided, single submitter. Criteria: Ambry Variant Classification Scheme 2023. Collection method: clinical testing. Allele origin: germline.

PreventionGenetics, part of Exact Sciences
Classification: Likely benign for BARD1-related condition. Last evaluated: 2019-03-20. Review status: no assertion criteria provided. Collection method: clinical testing. Allele origin: germline. Not counted in ClinVar's aggregate classification.
Comment: This variant is classified as likely benign based on ACMG/AMP sequence variant interpretation guidelines (Richards et al. 2015 PMID: 25741868, with internal and published modifications).

NM_000465.4(BARD1):c.279A>G (p.Gln93=)

Gene: BARD1 (BRCA1 associated RING domain 1; minus strand). Cytogenetic location: 2q35.
Variant type: single nucleotide variant.
Coding change: c.279A>G on transcript NM_000465.4 (MANE Select); coding-DNA position 279, A replaced by G.
Protein change: p.Gln93=; no amino-acid change (glutamine 93 retained).
Molecular consequence: synonymous variant. On other transcripts: non-coding transcript variant (1), intron variant (2).
Genome position (GRCh38, 1-based): chr2:214,792,382, T>C on the plus strand (A>G on the coding strand, the complement: BARD1 is on the minus strand). VCF-style: chr2-214792382-T-C. GRCh37 (hg19) VCF-style: chr2-215657106-T-C.
Other names: c.222A>G, p.Gln74= (NM_001282543.2); c.279A>G, p.Gln93= (NM_001282549.2); c.158+17030A>G (NM_001282548.2); c.215+4679A>G (NM_001282545.2).
Identifiers: ClinVar variation 183769 (VCV000183769.31), dbSNP rs370000575, ClinGen allele CA186410.